The following is an entry in ClinVar:

ClinVar aggregate classification (germline): Uncertain significance (1 of 4 stars; one submission).

Allele frequency attached by ClinVar (database versions not stated): gnomAD 0.00001; gnomAD exomes 0.00001; ExAC 0.00002.

Submission:

Labcorp Genetics (formerly Invitae), Labcorp
Classification: Uncertain significance. Last evaluated: 2025-02-10. Review status: criteria provided, single submitter. Criteria: Invitae Variant Classification Sherloc (09022015). Collection method: clinical testing. Allele origin: germline.
Comment: This sequence change replaces arginine, which is basic and polar, with histidine, which is basic and polar, at codon 649 of the KL protein (p.Arg649His). This variant is present in population databases (rs780025674, gnomAD 0.006%). This variant has not been reported in the literature in individuals affected with KL-related conditions. ClinVar contains an entry for this variant (Variation ID: 1903219). Invitae Evidence Modeling of protein sequence and biophysical properties (such as structural, functional, and spatial information, amino acid conservation, physicochemical variation, residue mobility, and thermodynamic stability) indicates that this missense variant is not expected to disrupt KL protein function with a negative predictive value of 80%. In summary, the available evidence is currently insufficient to determine the role of this variant in disease. Therefore, it has been classified as a Variant of Uncertain Significance.

NM_004795.4(KL):c.1946G>A (p.Arg649His)

Gene: KL (klotho; plus strand). Cytogenetic location: 13q13.1.
Variant type: single nucleotide variant.
Coding change: c.1946G>A on transcript NM_004795.4 (MANE Select); coding-DNA position 1946, G replaced by A.
Protein change: p.Arg649His; replaces arginine 649 with histidine.
Molecular consequence: missense variant.
Genome position (GRCh38, 1-based): chr13:33,061,025, G>A. VCF-style: chr13-33061025-G-A. GRCh37 (hg19) VCF-style: chr13-33635162-G-A.
Other names: short protein forms R649H.
Identifiers: ClinVar variation 1903219 (VCV001903219.5), dbSNP rs780025674, ClinGen allele CA6944212.